The following is an entry in ClinVar:

ClinVar aggregate classification (germline): Uncertain significance. Review status: criteria provided, multiple submitters, no conflicts (2 of 4 stars). 3 submissions from 3 submitters: Uncertain significance (3). Last evaluated 2024-05-29.

Conditions:
Troyer syndrome (SPG20). Identifiers: Orphanet 101000, MedGen C0393559, MONDO:0010156, OMIM 275900.
Hereditary spastic paraplegia. Also called: Familial spastic paraparesis. Identifiers: Orphanet 685, MedGen C0037773, MONDO:0019064. Disease mechanism: loss of function.

Allele frequency attached by ClinVar (database versions not stated): ExAC 0.00005; gnomAD exomes 0.00005; ESP Exome Variant Server 0.00008.

Submissions (3):

Labcorp Genetics (formerly Invitae), Labcorp
Classification: Uncertain significance. Last evaluated: 2024-05-29. Review status: criteria provided, single submitter. Criteria: Invitae Variant Classification Sherloc (09022015). Collection method: clinical testing. Allele origin: germline.
Comment: This sequence change replaces proline, which is neutral and non-polar, with serine, which is neutral and polar, at codon 156 of the SPART protein (p.Pro156Ser). This variant is present in population databases (rs202174672, gnomAD 0.01%). This variant has not been reported in the literature in individuals affected with SPART-related conditions. ClinVar contains an entry for this variant (Variation ID: 1301716). Advanced modeling of protein sequence and biophysical properties (such as structural, functional, and spatial information, amino acid conservation, physicochemical variation, residue mobility, and thermodynamic stability) performed at Invitae indicates that this missense variant is not expected to disrupt SPART protein function with a negative predictive value of 80%. In summary, the available evidence is currently insufficient to determine the role of this variant in disease. Therefore, it has been classified as a Variant of Uncertain Significance.

Dubai Health Genomic Medicine Center, Dubai Health
Classification: Uncertain significance for Troyer syndrome. Last evaluated: 2020-07-23. Review status: criteria provided, single submitter. Criteria: ACMG Guidelines, 2015. Collection method: clinical testing. Allele origin: germline. Affected: yes.
Comment: The p.Pro156Ser variant in the SPART gene has not been previously reported in affected individuals but was identified in 12/251100 (0.005% 0 homozygotes) total alleles in the Genome Aggregation Database (gnomAD). Computational prediction tools and conservation analyses do not suggest an impact to protein function and the change to "serine" has been seen in several mammal. In summary more information is needed to determine the clinical significance of this variant though based on the information it is more likely to be benign.

Genome Diagnostics Laboratory, The Hospital for Sick Children
Classification: Uncertain significance for Hereditary spastic paraplegia. Last evaluated: 2017-01-03. Review status: criteria provided, single submitter. Criteria: ACMG Guidelines, 2015. Collection method: clinical testing. Allele origin: germline. Affected: yes.

NM_015087.5(SPART):c.466C>T (p.Pro156Ser)

Gene: SPART (spartin; minus strand). Cytogenetic location: 13q13.3.
Variant type: single nucleotide variant.
Coding change: c.466C>T on transcript NM_015087.5 (MANE Select); coding-DNA position 466, C replaced by T.
Protein change: p.Pro156Ser; replaces proline 156 with serine.
Molecular consequence: missense variant.
Genome position (GRCh38, 1-based): chr13:36,335,365, G>A on the plus strand (C>T on the coding strand, the complement: SPART is on the minus strand). VCF-style: chr13-36335365-G-A. GRCh37 (hg19) VCF-style: chr13-36909502-G-A.
Other names: c.466C>T, p.Pro156Ser (NM_001142294.2, NM_001142295.2, NM_001142296.2); short protein forms P156S.
Identifiers: ClinVar variation 1301716 (VCV001301716.9), dbSNP rs202174672, ClinGen allele CA6949634.
Genomic context (GRCh38, chr13:36,335,365, plus strand): 5'-GAGTATAAGCAGGAGGAGCTTCTGCTGGACAACTTTGTGATGGTAAAGACAGAGAAGCAG[G>A]TGCAGCAACTGCCCCTGCACTTGGAGTTGAGGTGTTTCCATTTACTTCAGCATGCTGAGG-3'
Protein context (NP_055902.1, residues 146-166): STPSAGAVAA[Pro156Ser]ASLSLPSQSC